The following is an entry in ClinVar:

ClinVar aggregate classification (germline): Likely benign (1 of 4 stars; one submission).

Submission:

CeGaT Center for Human Genetics Tuebingen
Classification: Likely benign. Last evaluated: 2023-06-01. Review status: criteria provided, single submitter. Criteria: CeGaT Center For Human Genetics Tuebingen Variant Classification Criteria Version 2. Collection method: clinical testing. Allele origin: germline. Affected: yes. Observed: 1 variant allele.
Comment: ZNF292: PM2:Supporting, BP4, BP7

NM_015021.3(ZNF292):c.2277T>G (p.Ala759=)

Gene: ZNF292 (zinc finger protein 292; plus strand). Cytogenetic location: 6q14.3.
Variant type: single nucleotide variant.
Coding change: c.2277T>G on transcript NM_015021.3 (MANE Select); coding-DNA position 2277, T replaced by G.
Protein change: p.Ala759=; no amino-acid change (alanine 759 retained).
Molecular consequence: synonymous variant.
Genome position (GRCh38, 1-based): chr6:87,255,906, T>G. VCF-style: chr6-87255906-T-G. GRCh37 (hg19) VCF-style: chr6-87965624-T-G.
Other names: c.1857T>G, p.Ala619= (NM_001351444.2).
Identifiers: ClinVar variation 2656738 (VCV002656738.24), dbSNP rs2482298164, ClinGen allele CA451342944.
Genomic context (GRCh38, chr6:87,255,906, plus strand): 5'-TCACTTACAGATGCACTGTGGCAGTAAACCATATATCTGTATACAGATGAAATGTAAAGC[T>G]GGTTTTAATAGTTACGCCGAGCTTTTAACCCACCGAAAGGAGCATCAAGTCTTTAGAGCA-3'
Protein context (NP_055836.1, residues 749-769): PYICIQMKCK[Ala759=]GFNSYAELLT